The following is an entry in ClinVar:

ClinVar aggregate classification (germline): Conflicting classifications of pathogenicity. Review status: criteria provided, conflicting classifications (1 of 4 stars). 4 submissions from 4 submitters: Uncertain significance (2); Likely benign (1). 1 of the submissions does not count toward it. Last evaluated 2024-05-16.

Conditions:
Retinitis pigmentosa 71 (RP71). Identifiers: Orphanet 791, MedGen C4225342, MONDO:0014618, OMIM 616394.
Bardet-Biedl syndrome 20. Identifiers: MedGen C4310707, MONDO:0023670, OMIM 619471, MONDO:0014926.
Short-rib thoracic dysplasia 10 with or without polydactyly (SRTD10). Identifiers: Orphanet 474, MedGen C3810175, MONDO:0014284, OMIM 615630.
IFT172-related disorder. Also called: IFT172-related disorders; IFT172-related condition.

Allele frequency attached by ClinVar (database versions not stated): gnomAD 0.00001; TOPMed 0.00001; gnomAD exomes 0.00005 and 0.00010; ExAC 0.00011.
gnomAD v4.1: 73 of 1,608,450 alleles (0.0045%); highest among the groups gnomAD compares: East Asian, 0.16%; no homozygotes.

Submissions (4):

Fulgent Genetics
Classification: Uncertain significance for Short-rib thoracic dysplasia 10 with or without polydactyly; Retinitis pigmentosa 71; Bardet-Biedl syndrome 20. Last evaluated: 2024-05-16. Review status: criteria provided, single submitter. Criteria: ACMG Guidelines, 2015. Collection method: clinical testing. Allele origin: germline.

Blueprint Genetics
Classification: Likely benign. Last evaluated: 2022-08-24. Review status: criteria provided, single submitter. Criteria: ACMG Guidelines, 2015. Collection method: clinical testing. Allele origin: germline.

Labcorp Genetics (formerly Invitae), Labcorp
Classification: Uncertain significance for Retinitis pigmentosa 71; Short-rib thoracic dysplasia 10 with or without polydactyly. Last evaluated: 2022-05-29. Review status: criteria provided, single submitter. Criteria: Invitae Variant Classification Sherloc (09022015). Collection method: clinical testing. Allele origin: germline.
Comment: This sequence change falls in intron 41 of the IFT172 gene. It does not directly change the encoded amino acid sequence of the IFT172 protein. It affects a nucleotide within the consensus splice site. This variant is present in population databases (rs745480523, gnomAD 0.1%). This variant has not been reported in the literature in individuals affected with IFT172-related conditions. ClinVar contains an entry for this variant (Variation ID: 1423189). Variants that disrupt the consensus splice site are a relatively common cause of aberrant splicing (PMID: 17576681, 9536098). Algorithms developed to predict the effect of sequence changes on RNA splicing suggest that this variant is not likely to affect RNA splicing. In summary, the available evidence is currently insufficient to determine the role of this variant in disease. Therefore, it has been classified as a Variant of Uncertain Significance.

PreventionGenetics, part of Exact Sciences
Classification: Likely benign for IFT172-related condition. Last evaluated: 2024-04-25. Review status: no assertion criteria provided. Collection method: clinical testing. Allele origin: germline. Not counted in ClinVar's aggregate classification.
Comment: This variant is classified as likely benign based on ACMG/AMP sequence variant interpretation guidelines (Richards et al. 2015 PMID: 25741868, with internal and published modifications).

Literature cited by the submitters: PubMed 17576681 (cited by Labcorp Genetics (formerly Invitae), Labcorp); PubMed 9536098 (cited by Labcorp Genetics (formerly Invitae), Labcorp).

NM_015662.3(IFT172):c.4539+6G>A

Gene: IFT172 (intraflagellar transport 172; minus strand). Cytogenetic location: 2p23.3.
Variant type: single nucleotide variant.
Coding change: c.4539+6G>A on transcript NM_015662.3 (MANE Select); 6 bases into the intron after coding-DNA position 4539, G replaced by A.
Molecular consequence: intron variant.
Genome position (GRCh38, 1-based): chr2:27,447,806, C>T on the plus strand (G>A on the coding strand, the complement: IFT172 is on the minus strand). VCF-style: chr2-27447806-C-T. GRCh37 (hg19) VCF-style: chr2-27670673-C-T.
Other names: c.4539+6G>A (NM_015662.2).
Identifiers: ClinVar variation 1423189 (VCV001423189.6), dbSNP rs745480523, ClinGen allele CA1579584.